The following is an entry in ClinVar:

NM_005554.4(KRT6A):c.511A>C (p.Asn171His)

Gene: KRT6A (keratin 6A; minus strand). Cytogenetic location: 12q13.13.
Variant type: single nucleotide variant.
Coding change: c.511A>C on transcript NM_005554.4 (MANE Select); coding-DNA position 511, A replaced by C.
Protein change: p.Asn171His; replaces asparagine 171 with histidine.
Molecular consequence: missense variant.
Genome position (GRCh38, 1-based): chr12:52,492,678, T>G on the plus strand (A>C on the coding strand, the complement: KRT6A is on the minus strand). VCF-style: chr12-52492678-T-G. GRCh37 (hg19) VCF-style: chr12-52886462-T-G.
Other names: short protein forms N171H.
Identifiers: ClinVar variation 419468 (VCV000419468.2), dbSNP rs62635294, ClinGen allele CA16619573.

ClinVar aggregate classification (germline): Pathogenic (1 of 4 stars; one submission).

Submission:

GeneDx
Classification: Pathogenic. Last evaluated: 2015-07-16. Review status: criteria provided, single submitter. Criteria: GeneDx Variant Classification (06012015). Collection method: clinical testing. Allele origin: germline. Affected: yes.
Comment: Although the N171H substitution has not been previously published as a pathogenic variant, many othermissense changes affecting the Asn171 codon are reported in patients with pachyonychia congenita,including N171Y, N171D, N171T, N171S, and N171K (see Human Gene Mutation Database, Stenson etal., 2014, and Human Intermediate Filament Database). This residue is located in the highly conservedhelix initiation motif (1A region) of the keratin 6 protein, which is a known hotspot for pathogenic variants. The N171Hsubstitution also was not observed in approximately 6,500 individuals of European and African Americanancestry in the NHLBI Exome Sequencing Project, indicating it is not a common benign variant in thesepopulations. The N171H variant is a semi-conservative amino acid substitution, and in silico analysispredicts this substitution is probably damaging to the protein structure/function. Therefore, based on thecurrently available information, N171H is interpreted to be a pathogenic variant.